The following is an entry in ClinVar:

NM_012254.3(SLC27A5):c.649G>A (p.Val217Met)

Gene: SLC27A5 (solute carrier family 27 member 5; minus strand). Cytogenetic location: 19q13.43.
Variant type: single nucleotide variant.
Coding change: c.649G>A on transcript NM_012254.3 (MANE Select); coding-DNA position 649, G replaced by A.
Protein change: p.Val217Met; replaces valine 217 with methionine.
Molecular consequence: missense variant. On other transcripts: intron variant (1).
Genome position (GRCh38, 1-based): chr19:58,511,307, C>T on the plus strand (G>A on the coding strand, the complement: SLC27A5 is on the minus strand). VCF-style: chr19-58511307-C-T. GRCh37 (hg19) VCF-style: chr19-59022674-C-T.
Other names: c.436+213G>A (NM_001321196.2); short protein forms V217M.
Identifiers: ClinVar variation 3628121 (VCV003628121.2).

ClinVar aggregate classification (germline): Uncertain significance (1 of 4 stars; one submission).

Submission:

Labcorp Genetics (formerly Invitae), Labcorp
Classification: Uncertain significance. Last evaluated: 2025-03-17. Review status: criteria provided, single submitter. Criteria: Invitae Variant Classification Sherloc (09022015). Collection method: clinical testing. Allele origin: germline.
Comment: This sequence change replaces valine, which is neutral and non-polar, with methionine, which is neutral and non-polar, at codon 217 of the SLC27A5 protein (p.Val217Met). This variant is present in population databases (rs553170723, gnomAD 0.02%). This variant has not been reported in the literature in individuals affected with SLC27A5-related conditions. An algorithm developed to predict the effect of missense changes on protein structure and function (PolyPhen-2) suggests that this variant is likely to be disruptive. In summary, the available evidence is currently insufficient to determine the role of this variant in disease. Therefore, it has been classified as a Variant of Uncertain Significance.